The following is an entry in ClinVar:

NM_001042492.3(NF1):c.4110+13T>G

Gene: NF1 (neurofibromin 1; plus strand). Cytogenetic location: 17q11.2.
Variant type: single nucleotide variant.
Coding change: c.4110+13T>G on transcript NM_001042492.3 (MANE Select); 13 bases into the intron after coding-DNA position 4110, T replaced by G.
Molecular consequence: intron variant.
Genome position (GRCh38, 1-based): chr17:31,249,132, T>G. VCF-style: chr17-31249132-T-G. GRCh37 (hg19) VCF-style: chr17-29576150-T-G.
Other names: c.4110+13T>G (NM_000267.4).
Identifiers: ClinVar variation 2904841 (VCV002904841.3), dbSNP rs2151451752, ClinGen allele CA2739267390.

ClinVar aggregate classification (germline): Uncertain significance (1 of 4 stars; one submission).

Conditions:
Neurofibromatosis, type 1 (NF1). Also called: VON RECKLINGHAUSEN DISEASE; NEUROFIBROMATOSIS, TYPE I, SOMATIC; Peripheral type neurofibromatosis; Neurofibromatosis, type I. Identifiers: Orphanet 636, MedGen C0027831, MONDO:0018975, OMIM 162200. Disease mechanism: loss of function.

Submission:

Labcorp Genetics (formerly Invitae), Labcorp
Classification: Uncertain significance for Neurofibromatosis, type 1. Last evaluated: 2022-11-06. Review status: criteria provided, single submitter. Criteria: Invitae Variant Classification Sherloc (09022015). Collection method: clinical testing. Allele origin: germline.
Comment: In summary, the available evidence is currently insufficient to determine the role of this variant in disease. Therefore, it has been classified as a Variant of Uncertain Significance. Algorithms developed to predict the effect of sequence changes on RNA splicing suggest that this variant may create or strengthen a splice site. This variant has not been reported in the literature in individuals affected with NF1-related conditions. This variant is not present in population databases (gnomAD no frequency). This sequence change falls in intron 30 of the NF1 gene. It does not directly change the encoded amino acid sequence of the NF1 protein.